The following is an entry in ClinVar:

ClinVar aggregate classification (germline): Uncertain significance (1 of 4 stars; one submission).

Conditions:
Marinesco-Sjögren syndrome (MSS). Also called: Marinesco-SjÃ¶gren syndrome; Marinesco-Sjogren Syndrome. Identifiers: Orphanet 559, MedGen C0024814, MONDO:0009567, OMIM 248800.

Submission:

Labcorp Genetics (formerly Invitae), Labcorp
Classification: Uncertain significance for Marinesco-Sjögren syndrome. Last evaluated: 2022-06-19. Review status: criteria provided, single submitter. Criteria: Invitae Variant Classification Sherloc (09022015). Collection method: clinical testing. Allele origin: germline.
Comment: In summary, the available evidence is currently insufficient to determine the role of this variant in disease. Therefore, it has been classified as a Variant of Uncertain Significance. Algorithms developed to predict the effect of missense changes on protein structure and function are either unavailable or do not agree on the potential impact of this missense change (SIFT: "Deleterious"; PolyPhen-2: "Probably Damaging"; Align-GVGD: "Class C0"). This variant has not been reported in the literature in individuals affected with SIL1-related conditions. This variant is not present in population databases (gnomAD no frequency). This sequence change replaces asparagine, which is neutral and polar, with lysine, which is basic and polar, at codon 190 of the SIL1 protein (p.Asn190Lys).

NM_022464.5(SIL1):c.570C>G (p.Asn190Lys)

Gene: SIL1 (SIL1 nucleotide exchange factor; minus strand). Cytogenetic location: 5q31.2.
Variant type: single nucleotide variant.
Coding change: c.570C>G on transcript NM_022464.5 (MANE Select); coding-DNA position 570, C replaced by G.
Protein change: p.Asn190Lys; replaces asparagine 190 with lysine.
Molecular consequence: missense variant.
Genome position (GRCh38, 1-based): chr5:139,026,876, G>C on the plus strand (C>G on the coding strand, the complement: SIL1 is on the minus strand). VCF-style: chr5-139026876-G-C. GRCh37 (hg19) VCF-style: chr5-138362565-G-C.
Other names: c.570C>G, p.Asn190Lys (NM_001037633.2); short protein forms N190K.
Identifiers: ClinVar variation 2008348 (VCV002008348.4), dbSNP rs1340534524, ClinGen allele CA361134960.